The following is an entry in ClinVar:

ClinVar aggregate classification (germline): Likely benign (0 of 4 stars; one submission).

Conditions:
MYO18A-related disorder. Also called: MYO18A-related condition.

Allele frequency attached by ClinVar (database versions not stated): ExAC 0.00005; gnomAD 0.00005; gnomAD exomes 0.00005; TOPMed 0.00016.
gnomAD v4.1: 83 of 1,549,450 alleles (0.0054%); highest among the groups gnomAD compares: Admixed American, 0.14%; no homozygotes.

Submission:

PreventionGenetics, part of Exact Sciences
Classification: Likely benign for MYO18A-related condition. Last evaluated: 2022-09-20. Review status: no assertion criteria provided. Collection method: clinical testing. Allele origin: germline.
Comment: This variant is classified as likely benign based on ACMG/AMP sequence variant interpretation guidelines (Richards et al. 2015 PMID: 25741868, with internal and published modifications).

NM_078471.4(MYO18A):c.39C>T (p.Gly13=)

Gene: MYO18A (myosin XVIIIA; minus strand). Cytogenetic location: 17q11.2.
Variant type: single nucleotide variant.
Coding change: c.39C>T on transcript NM_078471.4 (MANE Select); coding-DNA position 39, C replaced by T.
Protein change: p.Gly13=; no amino-acid change (glycine 13 retained).
Molecular consequence: synonymous variant.
Genome position (GRCh38, 1-based): chr17:29,166,902, G>A on the plus strand (C>T on the coding strand, the complement: MYO18A is on the minus strand). VCF-style: chr17-29166902-G-A. GRCh37 (hg19) VCF-style: chr17-27493920-G-A.
Other names: c.39C>T, p.Gly13= (NM_001346765.2, NM_001346766.2, NM_001346767.2 and 1 more transcripts).
Identifiers: ClinVar variation 3032007 (VCV003032007.2), dbSNP rs778863807, ClinGen allele CA8473598.